The following is an entry in ClinVar:

ClinVar aggregate classification (germline): Uncertain significance (1 of 4 stars; one submission).

Conditions:
Cardiovascular phenotype. Identifiers: MedGen CN230736.

Submission:

Ambry Genetics
Classification: Uncertain significance for Cardiovascular phenotype. Last evaluated: 2022-01-31. Review status: criteria provided, single submitter. Criteria: Ambry Variant Classification Scheme 2023. Collection method: clinical testing. Allele origin: germline.
Comment: The c.16822C>A variant (also known as p.R5608R), located in coding exon 65 of the TTN gene, results from a C to A substitution at nucleotide position 16822. This nucleotide substitution does not change the at codon 5608. This nucleotide position is well conserved in available vertebrate species. In silico splice site analysis for this alteration is inconclusive. Since supporting evidence is limited at this time, the clinical significance of this alteration remains unclear.

NM_001267550.2(TTN):c.44017C>A (p.Arg14673=)

Gene: TTN (titin; minus strand). Cytogenetic location: 2q31.2.
Variant type: single nucleotide variant.
Coding change: c.44017C>A on transcript NM_001267550.2 (MANE Select); coding-DNA position 44017, C replaced by A.
Protein change: p.Arg14673=; no amino-acid change (arginine 14673 retained).
Molecular consequence: synonymous variant.
Genome position (GRCh38, 1-based): chr2:178,630,941, G>T on the plus strand (C>A on the coding strand, the complement: TTN is on the minus strand). VCF-style: chr2-178630941-G-T. GRCh37 (hg19) VCF-style: chr2-179495668-G-T.
Other names: c.39094C>A, p.Arg13032= (NM_001256850.1); c.16822C>A, p.Arg5608= (NM_003319.4); c.36313C>A, p.Arg12105= (NM_133378.4); c.17197C>A, p.Arg5733= (NM_133432.3); c.17398C>A, p.Arg5800= (NM_133437.4).
Identifiers: ClinVar variation 1777930 (VCV001777930.2), dbSNP rs773004022, ClinGen allele CA430114069.